The following is an entry in ClinVar:

NM_003737.4(DCHS1):c.5897G>A (p.Arg1966His)

Gene: DCHS1 (dachsous cadherin-related 1; minus strand). Cytogenetic location: 11p15.4.
Variant type: single nucleotide variant.
Coding change: c.5897G>A on transcript NM_003737.4 (MANE Select); coding-DNA position 5897, G replaced by A.
Protein change: p.Arg1966His; replaces arginine 1966 with histidine.
Molecular consequence: missense variant.
Genome position (GRCh38, 1-based): chr11:6,627,142, C>T on the plus strand (G>A on the coding strand, the complement: DCHS1 is on the minus strand). VCF-style: chr11-6627142-C-T. GRCh37 (hg19) VCF-style: chr11-6648373-C-T.
Other names: short protein forms R1966H.
Identifiers: ClinVar variation 3700314 (VCV003700314.2).

ClinVar aggregate classification (germline): Uncertain significance (1 of 4 stars; one submission).

gnomAD v4.1: 14 of 1,612,284 alleles (0.00087%); highest among the groups gnomAD compares: East Asian, 0.0022%; no homozygotes.

Submission:

Labcorp Genetics (formerly Invitae), Labcorp
Classification: Uncertain significance. Last evaluated: 2024-03-24. Review status: criteria provided, single submitter. Criteria: Invitae Variant Classification Sherloc (09022015). Collection method: clinical testing. Allele origin: germline.
Comment: This sequence change replaces arginine, which is basic and polar, with histidine, which is basic and polar, at codon 1966 of the DCHS1 protein (p.Arg1966His). This variant is present in population databases (rs765681020, gnomAD 0.006%). This variant has not been reported in the literature in individuals affected with DCHS1-related conditions. Advanced modeling of protein sequence and biophysical properties (such as structural, functional, and spatial information, amino acid conservation, physicochemical variation, residue mobility, and thermodynamic stability) has been performed at Invitae for this missense variant, however the output from this modeling did not meet the statistical confidence thresholds required to predict the impact of this variant on DCHS1 protein function. In summary, the available evidence is currently insufficient to determine the role of this variant in disease. Therefore, it has been classified as a Variant of Uncertain Significance.